The following is an entry in ClinVar:

NM_173685.4(NSMCE2):c.554G>A (p.Cys185Tyr)

Gene: NSMCE2 (NSE2 (MMS21) homolog, SMC5-SMC6 complex SUMO ligase; plus strand). Cytogenetic location: 8q24.13.
Variant type: single nucleotide variant.
Coding change: c.554G>A on transcript NM_173685.4 (MANE Select); coding-DNA position 554, G replaced by A.
Protein change: p.Cys185Tyr; replaces cysteine 185 with tyrosine.
Molecular consequence: missense variant. On other transcripts: non-coding transcript variant (1).
Genome position (GRCh38, 1-based): chr8:125,357,746, G>A. VCF-style: chr8-125357746-G-A. GRCh37 (hg19) VCF-style: chr8-126369988-G-A.
Other names: c.554G>A, p.Cys185Tyr (NM_001349485.2, NM_001349486.2); short protein forms C185Y.
Identifiers: ClinVar variation 1479734 (VCV001479734.3), dbSNP rs2131369076, ClinGen allele CA372270977.

ClinVar aggregate classification (germline): Uncertain significance (1 of 4 stars; one submission).

Submission:

Labcorp Genetics (formerly Invitae), Labcorp
Classification: Uncertain significance. Last evaluated: 2022-06-13. Review status: criteria provided, single submitter. Criteria: Invitae Variant Classification Sherloc (09022015). Collection method: clinical testing. Allele origin: germline.
Comment: This sequence change replaces cysteine, which is neutral and slightly polar, with tyrosine, which is neutral and polar, at codon 185 of the NSMCE2 protein (p.Cys185Tyr). This variant is not present in population databases (gnomAD no frequency). This variant has not been reported in the literature in individuals affected with NSMCE2-related conditions. Algorithms developed to predict the effect of missense changes on protein structure and function are either unavailable or do not agree on the potential impact of this missense change (SIFT: "Deleterious"; PolyPhen-2: "Probably Damaging"; Align-GVGD: "Class C0"). In summary, the available evidence is currently insufficient to determine the role of this variant in disease. Therefore, it has been classified as a Variant of Uncertain Significance.